The following is an entry in ClinVar:

NM_004006.3(DMD):c.656A>T (p.Asp219Val)

Gene: DMD (dystrophin; minus strand). Cytogenetic location: Xp21.1.
Variant type: single nucleotide variant.
Coding change: c.656A>T on transcript NM_004006.3 (MANE Select); coding-DNA position 656, A replaced by T.
Protein change: p.Asp219Val; replaces aspartic acid 219 with valine.
Molecular consequence: missense variant.
Genome position (GRCh38, 1-based): chrX:32,699,287, T>A on the plus strand (A>T on the coding strand, the complement: DMD is on the minus strand). VCF-style: chrX-32699287-T-A. GRCh37 (hg19) VCF-style: chrX-32717404-T-A.
Other names: c.632A>T, p.Asp211Val (NM_000109.4); c.644A>T, p.Asp215Val (NM_004009.3); c.287A>T, p.Asp96Val (NM_004010.3); short protein forms D211V, D219V, D96V, D215V.
Identifiers: ClinVar variation 1512743 (VCV001512743.5), dbSNP rs2147607407, ClinGen allele CA412669175.

ClinVar aggregate classification (germline): Uncertain significance (1 of 4 stars; one submission).

Conditions:
Duchenne muscular dystrophy (DMD). Also called: MUSCULAR DYSTROPHY, PSEUDOHYPERTROPHIC PROGRESSIVE, DUCHENNE TYPE; Duchenne Muscular Dystrophy (DMD). Identifiers: Orphanet 98896, MedGen C0013264, MONDO:0010679, OMIM 310200.

Submission:

Labcorp Genetics (formerly Invitae), Labcorp
Classification: Uncertain significance for Duchenne muscular dystrophy. Last evaluated: 2021-08-31. Review status: criteria provided, single submitter. Criteria: Invitae Variant Classification Sherloc (09022015). Collection method: clinical testing. Allele origin: germline.
Comment: This sequence change replaces aspartic acid with valine at codon 219 of the DMD protein (p.Asp219Val). The aspartic acid residue is weakly conserved and there is a large physicochemical difference between aspartic acid and valine. This variant is not present in population databases (ExAC no frequency). This variant has not been reported in the literature in individuals affected with DMD-related conditions. Algorithms developed to predict the effect of missense changes on protein structure and function (SIFT, PolyPhen-2, Align-GVGD) all suggest that this variant is likely to be tolerated. In summary, the available evidence is currently insufficient to determine the role of this variant in disease. Therefore, it has been classified as a Variant of Uncertain Significance.